The following is an entry in ClinVar:

ClinVar aggregate classification (germline): Uncertain significance (1 of 4 stars; one submission).

Conditions:
Charcot-Marie-Tooth disease type 4. Also called: Charcot-Marie-Tooth disease, type IV; Charcot-Marie-Tooth, Type 4. Identifiers: Orphanet 64749, MedGen C4082197, MONDO:0018995.

Submission:

Labcorp Genetics (formerly Invitae), Labcorp
Classification: Uncertain significance for Charcot-Marie-Tooth disease type 4. Last evaluated: 2022-04-12. Review status: criteria provided, single submitter. Criteria: Invitae Variant Classification Sherloc (09022015). Collection method: clinical testing. Allele origin: germline.
Comment: In summary, the available evidence is currently insufficient to determine the role of this variant in disease. Therefore, it has been classified as a Variant of Uncertain Significance. Algorithms developed to predict the effect of missense changes on protein structure and function are either unavailable or do not agree on the potential impact of this missense change (SIFT: "Tolerated"; PolyPhen-2: "Possibly Damaging"; Align-GVGD: "Class C0"). This variant has not been reported in the literature in individuals affected with PRX-related conditions. This variant is not present in population databases (gnomAD no frequency). This sequence change replaces tryptophan, which is neutral and slightly polar, with arginine, which is basic and polar, at codon 1052 of the PRX protein (p.Trp1052Arg).

NM_181882.3(PRX):c.3154T>C (p.Trp1052Arg)

Gene: PRX (periaxin; minus strand). Cytogenetic location: 19q13.2.
Variant type: single nucleotide variant.
Coding change: c.3154T>C on transcript NM_181882.3 (MANE Select); coding-DNA position 3154, T replaced by C.
Protein change: p.Trp1052Arg; replaces tryptophan 1052 with arginine.
Molecular consequence: missense variant. On other transcripts: 3 prime UTR variant (1).
Genome position (GRCh38, 1-based): chr19:40,395,198, A>G on the plus strand (T>C on the coding strand, the complement: PRX is on the minus strand). VCF-style: chr19-40395198-A-G. GRCh37 (hg19) VCF-style: chr19-40901105-A-G.
Other names: c.3439T>C, p.Trp1147Arg (NM_001411127.1); c.*3359T>C (NM_020956.2); short protein forms W1147R, W1052R.
Identifiers: ClinVar variation 2125130 (VCV002125130.4), dbSNP rs2145727145, ClinGen allele CA405894844.